The following is an entry in ClinVar:

ClinVar aggregate classification (germline): Uncertain significance (1 of 4 stars; one submission).

Conditions:
Hereditary cancer-predisposing syndrome. Also called: Neoplastic Syndromes, Hereditary; Tumor predisposition; Hereditary neoplastic syndrome; Hereditary Cancer Syndrome. Identifiers: Orphanet 140162, MedGen C0027672, MeSH D009386, MONDO:0015356.

Submission:

Ambry Genetics
Classification: Uncertain significance for Hereditary cancer-predisposing syndrome. Last evaluated: 2024-05-26. Review status: criteria provided, single submitter. Criteria: Ambry Variant Classification Scheme 2023. Collection method: clinical testing. Allele origin: germline.
Comment: The p.A6V variant (also known as c.17C>T), located in coding exon 1 of the SDHB gene, results from a C to T substitution at nucleotide position 17. The alanine at codon 6 is replaced by valine, an amino acid with similar properties. This amino acid position is conserved. In addition, this alteration is predicted to be tolerated by in silico analysis. Based on the available evidence, the clinical significance of this variant remains unclear.

NM_003000.3(SDHB):c.17C>T (p.Ala6Val)

Gene: SDHB (succinate dehydrogenase complex iron sulfur subunit B; minus strand). Cytogenetic location: 1p36.13.
Variant type: single nucleotide variant.
Coding change: c.17C>T on transcript NM_003000.3 (MANE Select); coding-DNA position 17, C replaced by T.
Protein change: p.Ala6Val; replaces alanine 6 with valine.
Molecular consequence: missense variant.
Genome position (GRCh38, 1-based): chr1:17,054,003, G>A on the plus strand (C>T on the coding strand, the complement: SDHB is on the minus strand). VCF-style: chr1-17054003-G-A. GRCh37 (hg19) VCF-style: chr1-17380498-G-A.
Other names: c.17C>T, p.Ala6Val (NM_001407361.1); short protein forms A6V.
Identifiers: ClinVar variation 3316884 (VCV003316884.1).